The following is an entry in ClinVar:

ClinVar aggregate classification (germline): Uncertain significance. Review status: criteria provided, multiple submitters, no conflicts (2 of 4 stars). 4 submissions from 4 submitters: Uncertain significance (4). Last evaluated 2026-05-05.

Conditions:
Cardiovascular phenotype. Identifiers: MedGen CN230736.
Desmin-related myofibrillar myopathy (MFM1). Also called: MYOFIBRILLAR MYOPATHY WITH ARRHYTHMOGENIC RIGHT VENTRICULAR CARDIOMYOPATHY; DESMIN-RELATED MYOPATHY WITH ARRHYTHMOGENIC RIGHT VENTRICULAR CARDIOMYOPATHY; Desminopathy; Desmin related myopathy (former name); Desmin storage myopathy (former name); Myofibrillar myopathy 1. Identifiers: Orphanet 363543, Orphanet 98909, MedGen C1832370, MONDO:0011076, OMIM 601419.
Dilated cardiomyopathy 1I (CMD1I). Identifiers: Orphanet 154, MedGen C1858154, MONDO:0011482, OMIM 604765.
Neurogenic scapuloperoneal syndrome, Kaeser type (SCPNK). Also called: KAESER SYNDROME. Identifiers: Orphanet 85146, MedGen C1867005, MONDO:0008407, OMIM 181400.
Primary dilated cardiomyopathy (DCM). Also called: Dilated Cardiomyopathy. Identifiers: Orphanet 217604, MedGen C0007193, MeSH D002311, MONDO:0005021, HP:0001644. Inheritance: Various modes of inheritance.

Allele frequency attached by ClinVar (database versions not stated): TOPMed 0.00001.
gnomAD v4.1: 8 of 1,574,560 alleles (0.00051%); highest among the groups gnomAD compares: Non-Finnish European, 0.00052%; no homozygotes.

Submissions (4):

Ambry Genetics
Classification: Uncertain significance for Cardiovascular phenotype. Last evaluated: 2026-05-05. Review status: criteria provided, single submitter. Criteria: Ambry Variant Classification Scheme 2023. Collection method: clinical testing. Allele origin: germline.
Comment: The p.A135G variant (also known as c.404C>G), located in coding exon 1 of the DES gene, results from a C to G substitution at nucleotide position 404. The alanine at codon 135 is replaced by glycine, an amino acid with similar properties. This amino acid position is well conserved in available vertebrate species. In addition, this alteration is predicted to be tolerated by in silico analysis. Based on the available evidence, the clinical significance of this variant remains unclear.

Dasa
Classification: Uncertain significance for dilated cardiomyopathy. Last evaluated: 2025-12-04. Review status: criteria provided, single submitter. Criteria: DASA Assertion Criteria. Collection method: clinical testing. Allele origin: germline.
Comment: NM_001927.4(DES):c.404C>G (p.Ala135Gly) is a missense variant that results in the substitution of alanine with glycine. This variant is rare in population databases. The currently available literature and clinical evidence are not sufficient to establish a definitive association between this variant and the reported condition. Therefore, this variant is classified as a variant of uncertain significance.

Labcorp Genetics (formerly Invitae), Labcorp
Classification: Uncertain significance for Desmin-related myofibrillar myopathy. Last evaluated: 2024-07-08. Review status: criteria provided, single submitter. Criteria: Invitae Variant Classification Sherloc (09022015). Collection method: clinical testing. Allele origin: germline.
Comment: This sequence change replaces alanine, which is neutral and non-polar, with glycine, which is neutral and non-polar, at codon 135 of the DES protein (p.Ala135Gly). This variant is present in population databases (no rsID available, gnomAD 0.003%). This variant has not been reported in the literature in individuals affected with DES-related conditions. ClinVar contains an entry for this variant (Variation ID: 1002861). Advanced modeling of protein sequence and biophysical properties (such as structural, functional, and spatial information, amino acid conservation, physicochemical variation, residue mobility, and thermodynamic stability) has been performed at Invitae for this missense variant, however the output from this modeling did not meet the statistical confidence thresholds required to predict the impact of this variant on DES protein function. In summary, the available evidence is currently insufficient to determine the role of this variant in disease. Therefore, it has been classified as a Variant of Uncertain Significance.

Fulgent Genetics
Classification: Uncertain significance for Neurogenic scapuloperoneal syndrome, Kaeser type; Desmin-related myofibrillar myopathy; Dilated cardiomyopathy 1I. Last evaluated: 2021-10-17. Review status: criteria provided, single submitter. Criteria: ACMG Guidelines, 2015. Collection method: clinical testing. Allele origin: unknown.

NM_001927.4(DES):c.404C>G (p.Ala135Gly)

Gene: DES (desmin; plus strand). Cytogenetic location: 2q35.
Variant type: single nucleotide variant.
Coding change: c.404C>G on transcript NM_001927.4 (MANE Select); coding-DNA position 404, C replaced by G.
Protein change: p.Ala135Gly; replaces alanine 135 with glycine.
Molecular consequence: missense variant.
Genome position (GRCh38, 1-based): chr2:219,418,866, C>G. VCF-style: chr2-219418866-C-G. GRCh37 (hg19) VCF-style: chr2-220283588-C-G.
Other names: c.404C>G, p.Ala135Gly (NM_001382708.1, NM_001382709.1, NM_001382710.1 and 3 more transcripts); c.404C>G (NM_001927.3); short protein forms A135G.
Identifiers: ClinVar variation 1002861 (VCV001002861.12), dbSNP rs546741834, ClinGen allele CA350685921.
Genomic context (GRCh38, chr2:219,418,866, plus strand): 5'-TCAATGACCGCTTCGCCAACTACATCGAGAAGGTGCGCTTCCTGGAGCAGCAGAACGCGG[C>G]GCTCGCCGCCGAAGTGAACCGGCTCAAGGGCCGCGAGCCGACGCGAGTGGCCGAGCTCTA-3'
Protein context (NP_001918.3, residues 125-145): KVRFLEQQNA[Ala135Gly]LAAEVNRLKG